The following is an entry in ClinVar:

ClinVar aggregate classification (germline): Uncertain significance (1 of 4 stars; one submission).

Conditions:
Hereditary spastic paraplegia 75. Also called: Spastic paraplegia 75, autosomal recessive. Identifiers: Orphanet 459056, MedGen C4225250, MONDO:0014729, OMIM 616680.

gnomAD v4.1: 1 of 1,614,050 alleles (0.000062%); highest among the groups gnomAD compares: Non-Finnish European, 0.000085%; no homozygotes.

Submission:

Labcorp Genetics (formerly Invitae), Labcorp
Classification: Uncertain significance for Hereditary spastic paraplegia 75. Last evaluated: 2021-12-02. Review status: criteria provided, single submitter. Criteria: Invitae Variant Classification Sherloc (09022015). Collection method: clinical testing. Allele origin: germline.
Comment: In summary, the available evidence is currently insufficient to determine the role of this variant in disease. Therefore, it has been classified as a Variant of Uncertain Significance. Algorithms developed to predict the effect of missense changes on protein structure and function are either unavailable or do not agree on the potential impact of this missense change (SIFT: "Deleterious"; PolyPhen-2: "Benign"; Align-GVGD: "Class C0"). This variant has not been reported in the literature in individuals affected with MAG-related conditions. This variant is present in population databases (rs369453547, gnomAD 0.0009%). This sequence change replaces proline, which is neutral and non-polar, with arginine, which is basic and polar, at codon 380 of the MAG protein (p.Pro380Arg).

NM_002361.4(MAG):c.1139C>G (p.Pro380Arg)

Gene: MAG (myelin associated glycoprotein; plus strand). Cytogenetic location: 19q13.12.
Variant type: single nucleotide variant.
Coding change: c.1139C>G on transcript NM_002361.4 (MANE Select); coding-DNA position 1139, C replaced by G.
Protein change: p.Pro380Arg; replaces proline 380 with arginine.
Molecular consequence: missense variant.
Genome position (GRCh38, 1-based): chr19:35,302,616, C>G. VCF-style: chr19-35302616-C-G. GRCh37 (hg19) VCF-style: chr19-35793519-C-G.
Other names: c.1064C>G, p.Pro355Arg (NM_001199216.2); c.1139C>G, p.Pro380Arg (NM_080600.3); short protein forms P355R, P380R.
Identifiers: ClinVar variation 1496268 (VCV001496268.6), dbSNP rs369453547, ClinGen allele CA9376183.